The following is an entry in ClinVar:

NM_001291303.3(FAT4):c.12131G>A (p.Gly4044Asp)

Gene: FAT4 (FAT atypical cadherin 4; plus strand). Cytogenetic location: 4q28.1.
Variant type: single nucleotide variant.
Coding change: c.12131G>A on transcript NM_001291303.3 (MANE Select); coding-DNA position 12131, G replaced by A.
Protein change: p.Gly4044Asp; replaces glycine 4044 with aspartic acid.
Molecular consequence: missense variant.
Genome position (GRCh38, 1-based): chr4:125,468,737, G>A. VCF-style: chr4-125468737-G-A. GRCh37 (hg19) VCF-style: chr4-126389892-G-A.
Other names: c.12131G>A, p.Gly4044Asp (NM_001291285.3); c.12125G>A, p.Gly4042Asp (NM_024582.6); short protein forms G4042D, G4044D.
Identifiers: ClinVar variation 521404 (VCV000521404.9), dbSNP rs760328375, ClinGen allele CA358128727.

ClinVar aggregate classification (germline): Uncertain significance. Review status: criteria provided, multiple submitters, no conflicts (2 of 4 stars). 2 submissions from 2 submitters: Uncertain significance (2). Last evaluated 2021-09-01.

Conditions:
Inborn genetic diseases. Identifiers: MedGen C0950123, MeSH D030342.

Submissions (2):

Labcorp Genetics (formerly Invitae), Labcorp
Classification: Uncertain significance. Last evaluated: 2021-09-01. Review status: criteria provided, single submitter. Criteria: Invitae Variant Classification Sherloc (09022015). Collection method: clinical testing. Allele origin: germline.
Comment: This sequence change replaces glycine with aspartic acid at codon 4042 of the FAT4 protein (p.Gly4042Asp). The glycine residue is highly conserved and there is a moderate physicochemical difference between glycine and aspartic acid. This variant is not present in population databases (ExAC no frequency). This variant has not been reported in the literature in individuals affected with FAT4-related conditions. ClinVar contains an entry for this variant (Variation ID: 521404). Advanced modeling of protein sequence and biophysical properties (such as structural, functional, and spatial information, amino acid conservation, physicochemical variation, residue mobility, and thermodynamic stability) performed at Invitae indicates that this missense variant is not expected to disrupt FAT4 protein function. In summary, the available evidence is currently insufficient to determine the role of this variant in disease. Therefore, it has been classified as a Variant of Uncertain Significance.

Ambry Genetics
Classification: Uncertain significance for Inborn genetic diseases. Last evaluated: 2017-01-05. Review status: criteria provided, single submitter. Criteria: Ambry exome assertion method (8-5-2015). Collection method: clinical testing. Allele origin: germline. Affected: yes. Observed: 1 variant allele.